The following is an entry in ClinVar:

ClinVar aggregate classification (germline): Uncertain significance. Review status: criteria provided, multiple submitters, no conflicts (2 of 4 stars). 2 submissions from 2 submitters: Uncertain significance (2). Last evaluated 2025-06-08.

Conditions:
Hereditary cancer-predisposing syndrome. Also called: Hereditary neoplastic syndrome; Tumor predisposition; Neoplastic Syndromes, Hereditary; Hereditary Cancer Syndrome. Identifiers: Orphanet 140162, MedGen C0027672, MeSH D009386, MONDO:0015356.
Oligodontia-cancer predisposition syndrome. Also called: TOOTH AGENESIS-COLORECTAL CANCER SYNDROME. Identifiers: Orphanet 300576, MedGen C1837750, MONDO:0012075, OMIM 608615. Disease mechanism: loss of function.

Allele frequency attached by ClinVar (database versions not stated): gnomAD 0.00001.
gnomAD v4.1: 1 of 1,578,652 alleles (0.000063%); highest among the groups gnomAD compares: African/African-American, 0.0013%; no homozygotes.

Submissions (2):

Ambry Genetics
Classification: Uncertain significance for Hereditary cancer-predisposing syndrome. Last evaluated: 2025-06-08. Review status: criteria provided, single submitter. Criteria: Ambry Variant Classification Scheme 2023. Collection method: clinical testing. Allele origin: germline.
Comment: The p.S428C variant (also known as c.1283C>G), located in coding exon 5 of the AXIN2 gene, results from a C to G substitution at nucleotide position 1283. The serine at codon 428 is replaced by cysteine, an amino acid with dissimilar properties. This amino acid position is conserved. In addition, this alteration is predicted to be tolerated by in silico analysis. Since supporting evidence is limited at this time, the clinical significance of this alteration remains unclear.

Labcorp Genetics (formerly Invitae), Labcorp
Classification: Uncertain significance for Oligodontia-cancer predisposition syndrome. Last evaluated: 2024-12-12. Review status: criteria provided, single submitter. Criteria: Invitae Variant Classification Sherloc (09022015). Collection method: clinical testing. Allele origin: germline.
Comment: This sequence change replaces serine, which is neutral and polar, with cysteine, which is neutral and slightly polar, at codon 428 of the AXIN2 protein (p.Ser428Cys). This variant is present in population databases (no rsID available, gnomAD 0.01%). This variant has not been reported in the literature in individuals affected with AXIN2-related conditions. ClinVar contains an entry for this variant (Variation ID: 1347137). Invitae Evidence Modeling of protein sequence and biophysical properties (such as structural, functional, and spatial information, amino acid conservation, physicochemical variation, residue mobility, and thermodynamic stability) indicates that this missense variant is not expected to disrupt AXIN2 protein function with a negative predictive value of 80%. In summary, the available evidence is currently insufficient to determine the role of this variant in disease. Therefore, it has been classified as a Variant of Uncertain Significance.

NM_004655.4(AXIN2):c.1283C>G (p.Ser428Cys)

Gene: AXIN2 (axin 2; minus strand). Cytogenetic location: 17q24.1.
Variant type: single nucleotide variant.
Coding change: c.1283C>G on transcript NM_004655.4 (MANE Select); coding-DNA position 1283, C replaced by G.
Protein change: p.Ser428Cys; replaces serine 428 with cysteine.
Molecular consequence: missense variant.
Genome position (GRCh38, 1-based): chr17:65,537,753, G>C on the plus strand (C>G on the coding strand, the complement: AXIN2 is on the minus strand). VCF-style: chr17-65537753-G-C. GRCh37 (hg19) VCF-style: chr17-63533871-G-C.
Other names: c.1283C>G, p.Ser428Cys (NM_001363813.1); short protein forms S428C.
Identifiers: ClinVar variation 1347137 (VCV001347137.11), dbSNP rs1426652719, ClinGen allele CA400677820.